The following is an entry in ClinVar:

ClinVar aggregate classification (germline): Uncertain significance. Review status: criteria provided, multiple submitters, no conflicts (2 of 4 stars). 3 submissions from 3 submitters: Uncertain significance (2). 1 of the submissions does not count toward it. Last evaluated 2026-07-01.

Conditions:
Glycogen storage disease, type II (IOPD). Also called: CARDIOMEGALIA GLYCOGENICA DIFFUSA; GLYCOGENOSIS, GENERALIZED, CARDIAC FORM; GSD II; POMPE DISEASE, INFANTILE-ONSET; GLYCOGEN STORAGE DISEASE II, INFANTILE-ONSET; ACID ALPHA-GLUCOSIDASE DEFICIENCY, INFANTILE-ONSET. Identifiers: Orphanet 365, MedGen C0017921, MONDO:0009290, OMIM 232300.

Submissions (3):

Genomenon, Inc
Classification: Uncertain significance for Glycogen storage disease, type II. Last evaluated: 2026-07-01. Review status: criteria provided, single submitter. Criteria: Genomenon Sequence Variant Interpretation Standards - Updated. Collection method: curation. Allele origin: germline. Affected: no.
Comment: GAA p.Ile468Leu (c.1402A>C) is a missense variant that changes the amino acid at codon 468 from Isoleucine to Leucine. This variant has been reported in the published literature (PMID:37507255). It is absent or not present at a significant frequency in gnomAD. In silico models predict that this variant is not damaging. In conclusion, we classify GAA p.Ile468Leu (c.1402A>C) as a variant of uncertain significance.

Labcorp Genetics (formerly Invitae), Labcorp
Classification: Uncertain significance for Glycogen storage disease, type II. Last evaluated: 2021-10-08. Review status: criteria provided, single submitter. Criteria: Invitae Variant Classification Sherloc (09022015). Collection method: clinical testing. Allele origin: germline.
Comment: This sequence change replaces isoleucine with leucine at codon 468 of the GAA protein (p.Ile468Leu). The isoleucine residue is highly conserved and there is a small physicochemical difference between isoleucine and leucine. This variant is not present in population databases (ExAC no frequency). This variant has not been reported in the literature in individuals affected with GAA-related conditions. Advanced modeling of protein sequence and biophysical properties (such as structural, functional, and spatial information, amino acid conservation, physicochemical variation, residue mobility, and thermodynamic stability) performed at Invitae indicates that this missense variant is not expected to disrupt GAA protein function. In summary, the available evidence is currently insufficient to determine the role of this variant in disease. Therefore, it has been classified as a Variant of Uncertain Significance.

Natera, Inc.
Classification: Uncertain significance for Glycogen storage disease type II. Last evaluated: 2025-01-13. Review status: no assertion criteria provided. Collection method: clinical testing. Allele origin: germline. Not counted in ClinVar's aggregate classification.

Literature cited by the submitters: PubMed 37507255 (cited by Genomenon, Inc).

NM_000152.5(GAA):c.1402A>C (p.Ile468Leu)

Gene: GAA (alpha glucosidase; plus strand). Cytogenetic location: 17q25.3.
Variant type: single nucleotide variant.
Coding change: c.1402A>C on transcript NM_000152.5 (MANE Select); coding-DNA position 1402, A replaced by C.
Protein change: p.Ile468Leu; replaces isoleucine 468 with leucine.
Molecular consequence: missense variant.
Genome position (GRCh38, 1-based): chr17:80,110,020, A>C. VCF-style: chr17-80110020-A-C. GRCh37 (hg19) VCF-style: chr17-78083819-A-C.
Other names: c.1402A>C (NM_000152.4); c.1402A>C, p.Ile468Leu (NM_001079803.3, NM_001079804.3); short protein forms I468L.
Identifiers: ClinVar variation 1358426 (VCV001358426.8), dbSNP rs886043148, ClinGen allele CA401366531.